The following is an entry in ClinVar:

ClinVar aggregate classification (germline): Pathogenic (1 of 4 stars; one submission).

Conditions:
X-linked mixed hearing loss with perilymphatic gusher. Also called: Deafness, X-linked 2; NANCE DEAFNESS; PERILYMPHATIC GUSHER-DEAFNESS SYNDROME; SENSORINEURAL DEAFNESS, PROFOUND, WITH OR WITHOUT A CONDUCTIVE COMPONENT, ASSOCIATED WITH A UNIQUE DEVELOPMENTAL ABNORMALITY OF THE EAR; Gusher syndrome. Identifiers: Orphanet 383, MedGen C1844678, MONDO:0010576, OMIM 304400.

Submission:

Institute of Rare Diseases, West China Hospital, Sichuan University
Classification: Pathogenic for X-linked mixed hearing loss with perilymphatic gusher. Last evaluated: 2025-01-09. Review status: criteria provided, single submitter. Criteria: ClinGen HL ACMG Specifications v1. Collection method: research. Allele origin: germline. Affected: yes.
Comment: PM1;PM3_Supporting;PS2;PM5;PM2_Supporting;PP3

NM_000307.5(POU3F4):c.976T>A (p.Phe326Ile)

Gene: POU3F4 (POU class 3 homeobox 4; plus strand). Cytogenetic location: Xq21.1.
Variant type: single nucleotide variant.
Coding change: c.976T>A on transcript NM_000307.5 (MANE Select); coding-DNA position 976, T replaced by A.
Protein change: p.Phe326Ile; replaces phenylalanine 326 with isoleucine.
Molecular consequence: missense variant.
Genome position (GRCh38, 1-based): chrX:83,509,300, T>A. VCF-style: chrX-83509300-T-A. GRCh37 (hg19) VCF-style: chrX-82764308-T-A.
Other names: short protein forms F326I.
Identifiers: ClinVar variation 3601688 (VCV003601688.1).
Genomic context (GRCh38, chrX:83,509,300, plus strand): 5'-CAGGAGATCTCCTCGCTGGCAGACAGCCTCCAGTTGGAGAAGGAAGTGGTGCGTGTCTGG[T>A]TCTGTAATCGAAGACAAAAAGAGAAAAGAATGACTCCGCCAGGGGATCAGCAGCCGCATG-3'
Protein context (NP_000298.3, residues 316-336): QLEKEVVRVW[Phe326Ile]CNRRQKEKRM